The following is an entry in ClinVar:

NM_002241.5(KCNJ10):c.1042C>G (p.Arg348Gly)

Gene: KCNJ10 (potassium inwardly rectifying channel subfamily J member 10; minus strand). Cytogenetic location: 1q23.2.
Variant type: single nucleotide variant.
Coding change: c.1042C>G on transcript NM_002241.5 (MANE Select); coding-DNA position 1042, C replaced by G.
Protein change: p.Arg348Gly; replaces arginine 348 with glycine.
Molecular consequence: missense variant.
Genome position (GRCh38, 1-based): chr1:160,041,491, G>C on the plus strand (C>G on the coding strand, the complement: KCNJ10 is on the minus strand). VCF-style: chr1-160041491-G-C. GRCh37 (hg19) VCF-style: chr1-160011281-G-C.
Other names: short protein forms R348G.
Identifiers: ClinVar variation 1479517 (VCV001479517.6), dbSNP rs137853074, ClinGen allele CA343222439.

ClinVar aggregate classification (germline): Uncertain significance (1 of 4 stars; one submission).

Conditions:
EAST syndrome (SESAMES). Also called: SEIZURES, SENSORINEURAL DEAFNESS, ATAXIA, IMPAIRED INTELLECTUAL DEVELOPMENT, AND ELECTROLYTE IMBALANCE. Identifiers: Orphanet 199343, MedGen C2748572, MONDO:0013005, OMIM 612780.

Submission:

Labcorp Genetics (formerly Invitae), Labcorp
Classification: Uncertain significance for EAST syndrome. Last evaluated: 2022-09-01. Review status: criteria provided, single submitter. Criteria: Invitae Variant Classification Sherloc (09022015). Collection method: clinical testing. Allele origin: germline.
Comment: This variant is not present in population databases (gnomAD no frequency). This variant has not been reported in the literature in individuals affected with KCNJ10-related conditions. ClinVar contains an entry for this variant (Variation ID: 1479517). Algorithms developed to predict the effect of missense changes on protein structure and function (SIFT, PolyPhen-2, Align-GVGD) all suggest that this variant is likely to be tolerated. In summary, the available evidence is currently insufficient to determine the role of this variant in disease. Therefore, it has been classified as a Variant of Uncertain Significance. This sequence change replaces arginine, which is basic and polar, with glycine, which is neutral and non-polar, at codon 348 of the KCNJ10 protein (p.Arg348Gly).